The following is an entry in ClinVar:

NM_001378477.3(NYX):c.119C>T (p.Ser40Leu)

Gene: NYX (nyctalopin; plus strand). Cytogenetic location: Xp11.4.
Variant type: single nucleotide variant.
Coding change: c.119C>T on transcript NM_001378477.3 (MANE Select); coding-DNA position 119, C replaced by T.
Protein change: p.Ser40Leu; replaces serine 40 with leucine.
Molecular consequence: missense variant.
Genome position (GRCh38, 1-based): chrX:41,473,587, C>T. VCF-style: chrX-41473587-C-T. GRCh37 (hg19) VCF-style: chrX-41332840-C-T.
Other names: c.119C>T, p.Ser40Leu (NM_022567.3); short protein forms S45L, S40L.
Identifiers: ClinVar variation 837475 (VCV000837475.9), dbSNP rs762359799, ClinGen allele CA10389780.

ClinVar aggregate classification (germline): Uncertain significance (1 of 4 stars; one submission).

Allele frequency attached by ClinVar (database versions not stated): gnomAD exomes 0.00002; TOPMed 0.00003; gnomAD 0.00005; ExAC 0.00153.
gnomAD v4.1: 26 of 1,010,294 alleles (0.0026%); highest among the groups gnomAD compares: Middle Eastern, 0.028%; no homozygotes.

Submission:

Labcorp Genetics (formerly Invitae), Labcorp
Classification: Uncertain significance. Last evaluated: 2024-01-17. Review status: criteria provided, single submitter. Criteria: Invitae Variant Classification Sherloc (09022015). Collection method: clinical testing. Allele origin: germline.
Comment: This sequence change replaces serine, which is neutral and polar, with leucine, which is neutral and non-polar, at codon 45 of the NYX protein (p.Ser45Leu). The frequency data for this variant in the population databases is considered unreliable, as metrics indicate insufficient coverage at this position in the gnomAD database. This missense change has been observed in individual(s) with clinical features of retinitis pigmentosa (PMID: 36819107). ClinVar contains an entry for this variant (Variation ID: 837475). Advanced modeling of protein sequence and biophysical properties (such as structural, functional, and spatial information, amino acid conservation, physicochemical variation, residue mobility, and thermodynamic stability) performed at Invitae indicates that this missense variant is not expected to disrupt NYX protein function with a negative predictive value of 80%. In summary, the available evidence is currently insufficient to determine the role of this variant in disease. Therefore, it has been classified as a Variant of Uncertain Significance.

Literature cited by the submitters: PubMed 36819107.